The following is an entry in ClinVar:

NM_000093.5(COL5A1):c.5234A>T (p.His1745Leu)

Genes: COL5A1 (collagen type V alpha 1 chain; plus strand), LOC101448202 (uncharacterized LOC101448202; minus strand). Cytogenetic location: 9q34.3.
Variant type: single nucleotide variant.
Coding change: c.5234A>T on transcript NM_000093.5 (MANE Select); coding-DNA position 5234, A replaced by T.
Protein change: p.His1745Leu; replaces histidine 1745 with leucine.
Molecular consequence: missense variant.
Genome position (GRCh38, 1-based): chr9:134,835,068, A>T. VCF-style: chr9-134835068-A-T. GRCh37 (hg19) VCF-style: chr9-137726914-A-T.
Other names: c.5234A>T, p.His1745Leu (NM_001278074.1); short protein forms H1745L.
Identifiers: ClinVar variation 1436642 (VCV001436642.6), dbSNP rs370607849, ClinGen allele CA201113799.
Genomic context (GRCh38, chr9:134,835,068, plus strand): 5'-TGGTACAGATGACCTTCCTGCGGCTGCTGAGCGCCTCTGCCCACCAGAACGTCACCTACC[A>T]CTGCTACCAGTCAGTGGCCTGGCAGGACGCAGCCACGGGCAGCTACGACAAGGCCCTCCG-3'
Protein context (NP_000084.3, residues 1735-1755): SASAHQNVTY[His1745Leu]CYQSVAWQDA

ClinVar aggregate classification (germline): Uncertain significance (1 of 4 stars; one submission).

Conditions:
Ehlers-Danlos syndrome, classic type, 1 (EDSCL1). Also called: EHLERS-DANLOS SYNDROME, GRAVIS TYPE; EHLERS-DANLOS SYNDROME, SEVERE CLASSIC TYPE; Ehlers-Danlos syndrome, type 1; Ehlers-Danlos Syndrome, Classic Type, COL5A1-Related; EDS I. Identifiers: MedGen C0268335, MONDO:0019567, OMIM 130000.

Allele frequency attached by ClinVar (database versions not stated): gnomAD 0.00001.
gnomAD v4.1: 18 of 1,613,440 alleles (0.0011%); highest among the groups gnomAD compares: Non-Finnish European, 0.0015%; no homozygotes.

Submission:

Labcorp Genetics (formerly Invitae), Labcorp
Classification: Uncertain significance for Ehlers-Danlos syndrome, classic type, 1. Last evaluated: 2021-02-03. Review status: criteria provided, single submitter. Criteria: Invitae Variant Classification Sherloc (09022015). Collection method: clinical testing. Allele origin: germline.
Comment: In summary, the available evidence is currently insufficient to determine the role of this variant in disease. Therefore, it has been classified as a Variant of Uncertain Significance. Advanced modeling of protein sequence and biophysical properties (such as structural, functional, and spatial information, amino acid conservation, physicochemical variation, residue mobility, and thermodynamic stability) performed at Invitae indicates that this missense variant is not expected to disrupt COL5A1 protein function. This variant has not been reported in the literature in individuals with COL5A1-related conditions. This variant is not present in population databases (ExAC no frequency). This sequence change replaces histidine with leucine at codon 1745 of the COL5A1 protein (p.His1745Leu). The histidine residue is weakly conserved and there is a moderate physicochemical difference between histidine and leucine.